The following is an entry in ClinVar:

ClinVar aggregate classification (germline): Conflicting classifications of pathogenicity. Review status: criteria provided, conflicting classifications (1 of 4 stars). 3 submissions from 3 submitters: Uncertain significance (1); Likely benign (1). 1 of the submissions does not count toward it. Last evaluated 2025-05-22.

Conditions:
Cutis laxa, X-linked (OHS). Also called: EDS IX; Occipital horn syndrome. Identifiers: Orphanet 198, MedGen C0268353, MONDO:0010572, OMIM 304150.
X-linked distal spinal muscular atrophy type 3. Also called: SPINAL MUSCULAR ATROPHY, DISTAL, X-LINKED RECESSIVE; ATP7A-Related Distal Motor Neuropathy; NEURONOPATHY, DISTAL HEREDITARY MOTOR, X-LINKED; NEUROPATHY, DISTAL HEREDITARY MOTOR, X-LINKED. Identifiers: Orphanet 139557, MedGen C1845359, MONDO:0010338, OMIM 300489.
Menkes kinky-hair syndrome (MNK). Also called: Copper transport disease; Menkes Disease; Classic Menkes Disease. Identifiers: Orphanet 565, MedGen C0022716, MONDO:0010651, OMIM 309400.

Allele frequency attached by ClinVar (database versions not stated): gnomAD 0.00001; gnomAD exomes 0.00001 and 0.00002; TOPMed 0.00003.
gnomAD v4.1: 16 of 1,211,309 alleles (0.0013%); highest among the groups gnomAD compares: Admixed American, 0.0065%; no homozygotes.

Submissions (3):

Labcorp Genetics (formerly Invitae), Labcorp
Classification: Likely benign for X-linked distal spinal muscular atrophy type 3; Cutis laxa, X-linked; Menkes kinky-hair syndrome. Last evaluated: 2025-05-22. Review status: criteria provided, single submitter. Criteria: Invitae Variant Classification Sherloc (09022015). Collection method: clinical testing. Allele origin: germline.

GeneDx
Classification: Uncertain significance. Last evaluated: 2016-11-22. Review status: criteria provided, single submitter. Criteria: GeneDx Variant Classification (06012015). Collection method: clinical testing. Allele origin: germline. Affected: yes.
Comment: A variant of uncertain significance has been identified in the ATP7A gene. The c.3174 A>G variant has not been published as a pathogenic variant or been reported as a benign variant to our knowledge. This variant was not observed in the Exome Aggregation Consortium or in approximately 6,500 individuals of European and African American ancestry in the NHLBI Exome Sequencing Project, indicating it is not a common benign variant in these populations. The c.3174 A>G variant results in a synonymous substitution at the Q1058 residue in the ATP7A gene and is predicted to create a cryptic splice donor site in exon 16 by several in silico splice algorithms, and which may result in abnormal gene splicing. However, in the absence of functional mRNA studies, the physiological consequence of this variant cannot be precisely determined.Therefore, based on the currently available information, it is unclear whether this variant is pathogenic or rare benign.

Natera, Inc.
Classification: Uncertain significance for Menkes kinky hair syndrome. Last evaluated: 2019-10-28. Review status: no assertion criteria provided. Collection method: clinical testing. Allele origin: germline. Not counted in ClinVar's aggregate classification.

NM_000052.7(ATP7A):c.3174A>G (p.Gln1058=)

Gene: ATP7A (ATPase copper transporting alpha; plus strand). Cytogenetic location: Xq21.1.
Variant type: single nucleotide variant.
Coding change: c.3174A>G on transcript NM_000052.7 (MANE Select); coding-DNA position 3174, A replaced by G.
Protein change: p.Gln1058=; no amino-acid change (glutamine 1058 retained).
Molecular consequence: synonymous variant. On other transcripts: non-coding transcript variant (1).
Genome position (GRCh38, 1-based): chrX:78,031,462, A>G. VCF-style: chrX-78031462-A-G. GRCh37 (hg19) VCF-style: chrX-77286960-A-G.
Other names: c.2940A>G, p.Gln980= (NM_001282224.2).
Identifiers: ClinVar variation 373357 (VCV000373357.7), dbSNP rs1057518370, ClinGen allele CA16043333.